The following is an entry in ClinVar:

NM_005565.5(LCP2):c.606C>T (p.Ala202=)

Gene: LCP2 (lymphocyte cytosolic protein 2; minus strand). Cytogenetic location: 5q35.1.
Variant type: single nucleotide variant.
Coding change: c.606C>T on transcript NM_005565.5 (MANE Select); coding-DNA position 606, C replaced by T.
Protein change: p.Ala202=; no amino-acid change (alanine 202 retained).
Molecular consequence: synonymous variant.
Genome position (GRCh38, 1-based): chr5:170,268,400, G>A on the plus strand (C>T on the coding strand, the complement: LCP2 is on the minus strand). VCF-style: chr5-170268400-G-A. GRCh37 (hg19) VCF-style: chr5-169695404-G-A.
Identifiers: ClinVar variation 2656069 (VCV002656069.24), dbSNP rs763246906, ClinGen allele CA3555664.
Genomic context (GRCh38, chr5:170,268,400, plus strand): 5'-CTGCAGTGGACACCAAGTACTGTAAAAGAACGGGAGGAGGCCTACCGAGTGATTCCGGCC[G>A]GCTGGTGGGGGCGGGAGGGCGGCCATCGGTCTCTGGGGGGGCACAGGAGGCTGCTGGGGG-3'
Protein context (NP_005556.1, residues 192-212): RPMAALPPPP[Ala202=]GRNHSPLPPP

ClinVar aggregate classification (germline): Likely benign (1 of 4 stars; one submission).

Allele frequency attached by ClinVar (database versions not stated): gnomAD 0.00005; ExAC 0.00024.
gnomAD v4.1: 22 of 781,686 alleles (0.0028%); highest among the groups gnomAD compares: Middle Eastern, 0.034%; no homozygotes.

Submission:

CeGaT Center for Human Genetics Tuebingen
Classification: Likely benign. Last evaluated: 2022-10-01. Review status: criteria provided, single submitter. Criteria: CeGaT Center For Human Genetics Tuebingen Variant Classification Criteria Version 2. Collection method: clinical testing. Allele origin: germline. Affected: yes. Observed: 1 variant allele.
Comment: LCP2: BP4, BP7